The following is an entry in ClinVar:

ClinVar aggregate classification (germline): Uncertain significance (1 of 4 stars; one submission).

Allele frequency attached by ClinVar (database versions not stated): TOPMed below 0.00001.

Submission:

Labcorp Genetics (formerly Invitae), Labcorp
Classification: Uncertain significance. Last evaluated: 2025-10-17. Review status: criteria provided, single submitter. Criteria: Invitae Variant Classification Sherloc (09022015). Collection method: clinical testing. Allele origin: germline.
Comment: This sequence change replaces glutamine, which is neutral and polar, with glutamic acid, which is acidic and polar, at codon 328 of the TNNI3K protein (p.Gln328Glu). This variant is not present in population databases (gnomAD no frequency). This variant has not been reported in the literature in individuals affected with TNNI3K-related conditions. ClinVar contains an entry for this variant (Variation ID: 1955641). Invitae Evidence Modeling of protein sequence and biophysical properties (such as structural, functional, and spatial information, amino acid conservation, physicochemical variation, residue mobility, and thermodynamic stability) indicates that this missense variant is not expected to disrupt TNNI3K protein function with a negative predictive value of 80%. In summary, the available evidence is currently insufficient to determine the role of this variant in disease. Therefore, it has been classified as a Variant of Uncertain Significance.

NM_015978.3(TNNI3K):c.982C>G (p.Gln328Glu)

Genes: FPGT-TNNI3K (FPGT-TNNI3K readthrough; plus strand), TNNI3K (TNNI3 interacting kinase; plus strand). Cytogenetic location: 1p31.1.
Variant type: single nucleotide variant.
Coding change: c.982C>G on transcript NM_015978.3 (MANE Select); coding-DNA position 982, C replaced by G.
Protein change: p.Gln328Glu; replaces glutamine 328 with glutamic acid.
Molecular consequence: missense variant.
Genome position (GRCh38, 1-based): chr1:74,353,315, C>G. VCF-style: chr1-74353315-C-G. GRCh37 (hg19) VCF-style: chr1-74818999-C-G.
Other names: c.1285C>G, p.Gln429Glu (NM_001112808.3, NM_001199327.2); short protein forms Q328E, Q429E.
Identifiers: ClinVar variation 1955641 (VCV001955641.4), dbSNP rs1220658629, ClinGen allele CA340783693.